The following is an entry in ClinVar:

NM_014709.4(USP34):c.5489G>T (p.Arg1830Leu)

Gene: USP34 (ubiquitin specific peptidase 34; minus strand). Cytogenetic location: 2p15.
Variant type: single nucleotide variant.
Coding change: c.5489G>T on transcript NM_014709.4 (MANE Select); coding-DNA position 5489, G replaced by T.
Protein change: p.Arg1830Leu; replaces arginine 1830 with leucine.
Molecular consequence: missense variant.
Genome position (GRCh38, 1-based): chr2:61,266,112, C>A on the plus strand (G>T on the coding strand, the complement: USP34 is on the minus strand). VCF-style: chr2-61266112-C-A. GRCh37 (hg19) VCF-style: chr2-61493247-C-A.
Other names: short protein forms R1830L.
Identifiers: ClinVar variation 2650976 (VCV002650976.24), dbSNP rs760903451, ClinGen allele CA346971505.
Genomic context (GRCh38, chr2:61,266,112, plus strand): 5'-TCTACTAACAAATCGTAAGCGGCAGCTCTTGAAGAATGTGATTTGCACTTTGGCTGTTGT[C>A]GGTCCTTTAGACTTGGCAACAAAAACAGGAGATTGAAGATATCTCTCAAAAATTCCTGGG-3'
Protein context (NP_055524.3, residues 1820-1840): LLFLLPSLKD[Arg1830Leu]QQPKCKSHSS

ClinVar aggregate classification (germline): Uncertain significance (1 of 4 stars; one submission).

gnomAD v4.1: 1 of 1,613,668 alleles (0.000062%); highest among the groups gnomAD compares: Non-Finnish European, 0.000085%; no homozygotes.

Submission:

CeGaT Center for Human Genetics Tuebingen
Classification: Uncertain significance. Last evaluated: 2023-05-01. Review status: criteria provided, single submitter. Criteria: CeGaT Center For Human Genetics Tuebingen Variant Classification Criteria Version 2. Collection method: clinical testing. Allele origin: germline. Affected: yes. Observed: 1 variant allele.
Comment: USP34: PM2